The following is an entry in ClinVar:

NM_004870.4(MPDU1):c.338C>T (p.Thr113Met)

Gene: MPDU1 (mannose-P-dolichol utilization defect 1; plus strand). Cytogenetic location: 17p13.1.
Variant type: single nucleotide variant.
Coding change: c.338C>T on transcript NM_004870.4 (MANE Select); coding-DNA position 338, C replaced by T.
Protein change: p.Thr113Met; replaces threonine 113 with methionine.
Molecular consequence: missense variant. On other transcripts: non-coding transcript variant (1).
Genome position (GRCh38, 1-based): chr17:7,586,727, C>T. VCF-style: chr17-7586727-C-T. GRCh37 (hg19) VCF-style: chr17-7490045-C-T.
Other names: c.338C>T, p.Thr113Met (NM_001330073.1); short protein forms T113M.
Identifiers: ClinVar variation 889664 (VCV000889664.9), dbSNP rs141320993, ClinGen allele CA8352911.

ClinVar aggregate classification (germline): Uncertain significance. Review status: criteria provided, multiple submitters, no conflicts (2 of 4 stars). 4 submissions from 4 submitters: Uncertain significance (4). Last evaluated 2025-07-17.

Conditions:
Inborn genetic diseases. Identifiers: MedGen C0950123, MeSH D030342.
MPDU1-congenital disorder of glycosylation. Also called: CONGENITAL DISORDER OF GLYCOSYLATION, TYPE If; CDG If; MPDU1-CDG. Identifiers: Orphanet 79323, MedGen C1836669, MONDO:0012211, OMIM 609180.

Allele frequency attached by ClinVar (database versions not stated): ESP Exome Variant Server 0.00031; ExAC 0.00032; gnomAD 0.00032 and 0.00034; TOPMed 0.00032.

Submissions (4):

ARUP Laboratories, Molecular Genetics and Genomics, ARUP Laboratories
Classification: Uncertain significance for MPDU1-congenital disorder of glycosylation. Last evaluated: 2025-07-17. Review status: criteria provided, single submitter. Criteria: ARUP Molecular Germline Variant Investigation Process 2024. Collection method: clinical testing. Allele origin: germline.

Labcorp Genetics (formerly Invitae), Labcorp
Classification: Uncertain significance for MPDU1-congenital disorder of glycosylation. Last evaluated: 2022-10-01. Review status: criteria provided, single submitter. Criteria: Invitae Variant Classification Sherloc (09022015). Collection method: clinical testing. Allele origin: germline.
Comment: This sequence change replaces threonine, which is neutral and polar, with methionine, which is neutral and non-polar, at codon 113 of the MPDU1 protein (p.Thr113Met). This variant is present in population databases (rs141320993, gnomAD 0.1%). This variant has not been reported in the literature in individuals affected with MPDU1-related conditions. ClinVar contains an entry for this variant (Variation ID: 889664). Algorithms developed to predict the effect of missense changes on protein structure and function are either unavailable or do not agree on the potential impact of this missense change (SIFT: "Tolerated"; PolyPhen-2: "Possibly Damaging"; Align-GVGD: "Class C0"). In summary, the available evidence is currently insufficient to determine the role of this variant in disease. Therefore, it has been classified as a Variant of Uncertain Significance.

Ambry Genetics
Classification: Uncertain significance for Inborn genetic diseases. Last evaluated: 2022-01-05. Review status: criteria provided, single submitter. Criteria: Ambry Variant Classification Scheme 2023. Collection method: clinical testing. Allele origin: germline.

Illumina Laboratory Services, Illumina
Classification: Uncertain significance for MPDU1-congenital disorder of glycosylation. Last evaluated: 2018-01-12. Review status: criteria provided, single submitter. Criteria: ICSL Variant Classification Criteria 13 December 2019. Collection method: clinical testing. Allele origin: germline.